The following is an entry in ClinVar:

ClinVar aggregate classification (germline): Likely benign (1 of 4 stars; one submission).

Submission:

Women's Health and Genetics/Laboratory Corporation of America, LabCorp
Classification: Likely benign. Last evaluated: 2025-05-13. Review status: criteria provided, single submitter. Criteria: LabCorp Variant Classification Summary - May 2015. Collection method: clinical testing. Allele origin: germline.
Comment: Variant summary: DCHS1 c.1458G>C alters a conserved nucleotide resulting in a synonymous change. Consensus agreement among computation tools predict no significant impact on normal splicing. However, these predictions have yet to be confirmed by functional studies. The variant was absent in 249868 control chromosomes (gnomAD). The available data on variant occurrences in the general population are insufficient to allow any conclusion about variant significance. To our knowledge, no occurrence of c.1458G>C in individuals affected with DCHS1-Related Disorders and no experimental evidence demonstrating its impact on protein function have been reported. No submitters have cited clinical-significance assessments for this variant to ClinVar. Based on the evidence outlined above, the variant was classified as likely benign.

NM_003737.4(DCHS1):c.1458G>C (p.Ala486=)

Gene: DCHS1 (dachsous cadherin-related 1; minus strand). Cytogenetic location: 11p15.4.
Variant type: single nucleotide variant.
Coding change: c.1458G>C on transcript NM_003737.4 (MANE Select); coding-DNA position 1458, G replaced by C.
Protein change: p.Ala486=; no amino-acid change (alanine 486 retained).
Molecular consequence: synonymous variant.
Genome position (GRCh38, 1-based): chr11:6,640,156, C>G on the plus strand (G>C on the coding strand, the complement: DCHS1 is on the minus strand). VCF-style: chr11-6640156-C-G. GRCh37 (hg19) VCF-style: chr11-6661387-C-G.
Identifiers: ClinVar variation 3902264 (VCV003902264.1).
Genomic context (GRCh38, chr11:6,640,156, plus strand): 5'-ACCATTGGTGCCTTGGTCAGGATCCCGAGCAGTCACCCGCACTACAAAGCTGCCAGGCAG[C>G]GCAACCTCAGGCAGGGGCTCAGGTCGGTAGAGCTGGCGGTCAAAGGCAGGTGCATTGTCG-3'
Protein context (NP_003728.1, residues 476-496): LYRPEPLPEV[Ala486=]LPGSFVVRVT